The following is an entry in ClinVar:

ClinVar aggregate classification (germline): Likely pathogenic (1 of 4 stars; one submission).

Conditions:
Glycogen storage disease, type II (IOPD). Also called: Glucosidase acid-1,4-alpha deficiency; POMPE DISEASE, INFANTILE-ONSET; GLYCOGEN STORAGE DISEASE II, INFANTILE-ONSET; ACID ALPHA-GLUCOSIDASE DEFICIENCY, INFANTILE-ONSET; GAA DEFICIENCY, INFANTILE-ONSET; ACID MALTASE DEFICIENCY, INFANTILE-ONSET. Identifiers: Orphanet 365, MedGen C0017921, MONDO:0009290, OMIM 232300.

Allele frequency attached by ClinVar (database versions not stated): gnomAD exomes below 0.00001.
gnomAD v4.1: 1 of 1,613,724 alleles (0.000062%); highest among the groups gnomAD compares: Non-Finnish European, 0.000085%; no homozygotes.

Submission:

Labcorp Genetics (formerly Invitae), Labcorp
Classification: Likely pathogenic for Glycogen storage disease, type II. Last evaluated: 2021-08-04. Review status: criteria provided, single submitter. Criteria: Invitae Variant Classification Sherloc (09022015). Collection method: clinical testing. Allele origin: germline.
Comment: In summary, the currently available evidence indicates that the variant is pathogenic, but additional data are needed to prove that conclusively. Therefore, this variant has been classified as Likely Pathogenic. This variant disrupts the p.Pro545 amino acid residue in GAA. Other variant(s) that disrupt this residue have been determined to be pathogenic (PMID: 17095274, 19472353, 19862843, 25526786). This suggests that this residue is clinically significant, and that variants that disrupt this residue are likely to be disease-causing. Advanced modeling of protein sequence and biophysical properties (such as structural, functional, and spatial information, amino acid conservation, physicochemical variation, residue mobility, and thermodynamic stability) performed at Invitae indicates that this missense variant is expected to disrupt GAA protein function. ClinVar contains an entry for this variant (Variation ID: 1062425). This variant has not been reported in the literature in individuals affected with GAA-related conditions. This variant is not present in population databases (ExAC no frequency). This sequence change replaces proline with serine at codon 545 of the GAA protein (p.Pro545Ser). The proline residue is highly conserved and there is a moderate physicochemical difference between proline and serine.

Literature cited by the submitters: PubMed 17095274; PubMed 19472353; PubMed 19862843; PubMed 25526786.

NM_000152.5(GAA):c.1633C>T (p.Pro545Ser)

Gene: GAA (alpha glucosidase; plus strand). Cytogenetic location: 17q25.3.
Variant type: single nucleotide variant.
Coding change: c.1633C>T on transcript NM_000152.5 (MANE Select); coding-DNA position 1633, C replaced by T.
Protein change: p.Pro545Ser; replaces proline 545 with serine.
Molecular consequence: missense variant.
Genome position (GRCh38, 1-based): chr17:80,111,022, C>T. VCF-style: chr17-80111022-C-T. GRCh37 (hg19) VCF-style: chr17-78084821-C-T.
Other names: c.1633C>T, p.Pro545Ser (NM_001079803.3, NM_001079804.3); short protein forms P545S.
Identifiers: ClinVar variation 1062425 (VCV001062425.10), dbSNP rs2143875175, ClinGen allele CA401367384.
Genomic context (GRCh38, chr17:80,111,022, plus strand): 5'-TTCATCAGGGGCTCTGAGGACGGCTGCCCCAACAATGAGCTGGAGAACCCACCCTACGTG[C>T]CTGGTCAGCTCGCCCCCCACCTACCCTGGGGACTTAATCAAATCAGAGACTCCCTTGTCT-3'
Protein context (NP_000143.2, residues 535-555): NNELENPPYV[Pro545Ser]GVVGGTLQAA